The following is an entry in ClinVar:

NM_016107.5(ZFR):c.1537A>G (p.Thr513Ala)

Gene: ZFR (zinc finger RNA binding protein; minus strand). Cytogenetic location: 5p13.3.
Variant type: single nucleotide variant.
Coding change: c.1537A>G on transcript NM_016107.5 (MANE Select); coding-DNA position 1537, A replaced by G.
Protein change: p.Thr513Ala; replaces threonine 513 with alanine.
Molecular consequence: missense variant. On other transcripts: non-coding transcript variant (1).
Genome position (GRCh38, 1-based): chr5:32,400,183, T>C on the plus strand (A>G on the coding strand, the complement: ZFR is on the minus strand). VCF-style: chr5-32400183-T-C. GRCh37 (hg19) VCF-style: chr5-32400288-T-C.
Other names: short protein forms T513A.
Identifiers: ClinVar variation 2910881 (VCV002910881.3), dbSNP rs1367729795, ClinGen allele CA359358556.

ClinVar aggregate classification (germline): Uncertain significance (1 of 4 stars; one submission).

Conditions:
Pure or complex autosomal recessive spastic paraplegia. Identifiers: Orphanet 320346, MedGen C5679887, MONDO:0017915.

Allele frequency attached by ClinVar (database versions not stated): TOPMed below 0.00001; gnomAD exomes 0.00001; gnomAD 0.00002.

Submission:

Labcorp Genetics (formerly Invitae), Labcorp
Classification: Uncertain significance for Pure or complex autosomal recessive spastic paraplegia. Last evaluated: 2022-11-17. Review status: criteria provided, single submitter. Criteria: Invitae Variant Classification Sherloc (09022015). Collection method: clinical testing. Allele origin: germline.
Comment: Algorithms developed to predict the effect of missense changes on protein structure and function are either unavailable or do not agree on the potential impact of this missense change (SIFT: "Tolerated"; PolyPhen-2: "Not Available"; Align-GVGD: "Class C0"). In summary, the available evidence is currently insufficient to determine the role of this variant in disease. Therefore, it has been classified as a Variant of Uncertain Significance. This variant has not been reported in the literature in individuals affected with ZFR-related conditions. This sequence change replaces threonine, which is neutral and polar, with alanine, which is neutral and non-polar, at codon 513 of the ZFR protein (p.Thr513Ala). This variant is present in population databases (no rsID available, gnomAD 0.02%).